The following is an entry in ClinVar:

NM_001903.5(CTNNA1):c.1304A>C (p.Asn435Thr)

Gene: CTNNA1 (catenin alpha 1; plus strand). Cytogenetic location: 5q31.2.
Variant type: single nucleotide variant.
Coding change: c.1304A>C on transcript NM_001903.5 (MANE Select); coding-DNA position 1304, A replaced by C.
Protein change: p.Asn435Thr; replaces asparagine 435 with threonine.
Molecular consequence: missense variant. On other transcripts: 5 prime UTR variant (6), intron variant (3).
Genome position (GRCh38, 1-based): chr5:138,904,356, A>C. VCF-style: chr5-138904356-A-C. GRCh37 (hg19) VCF-style: chr5-138240045-A-C.
Other names: c.194A>C, p.Asn65Thr (NM_001323990.1, NM_001323991.1, NM_001323992.1 and 17 more transcripts); c.1304A>C, p.Asn435Thr (NM_001290307.3, NM_001323982.2, NM_001323983.1 and 2 more transcripts); c.995A>C, p.Asn332Thr (NM_001290309.3); c.935A>C, p.Asn312Thr (NM_001290310.3); c.-204A>C (NM_001324006.1, NM_001324007.1, NM_001324008.1 and 1 more transcripts); c.-50A>C (NM_001324012.1, NM_001324013.1); c.1297-13386A>C (NM_001323986.2); c.187-13386A>C (NM_001324011.1); and 1 more; short protein forms N435T, N312T, N332T, N65T.
Identifiers: ClinVar variation 2109439 (VCV002109439.4), dbSNP rs752913534, ClinGen allele CA361135874.
Genomic context (GRCh38, chr5:138,904,356, plus strand): 5'-TCCTTAGCAGTCAAAAGAGAAAAATCTTTAAAGATTATTTTTTATGTTTATAGGTTGCCA[A>C]CTTGGCCTGTTCCATCTCAAATAATGAAGAAGGTGTAAAGCTTGTTCGAATGTCTGCAAG-3'
Protein context (NP_001894.2, residues 425-445): EHANKLIEVA[Asn435Thr]LACSISNNEE

ClinVar aggregate classification (germline): Uncertain significance (1 of 4 stars; one submission).

Submission:

Labcorp Genetics (formerly Invitae), Labcorp
Classification: Uncertain significance. Last evaluated: 2022-04-24. Review status: criteria provided, single submitter. Criteria: Invitae Variant Classification Sherloc (09022015). Collection method: clinical testing. Allele origin: germline.
Comment: In summary, the available evidence is currently insufficient to determine the role of this variant in disease. Therefore, it has been classified as a Variant of Uncertain Significance. This sequence change replaces asparagine, which is neutral and polar, with threonine, which is neutral and polar, at codon 435 of the CTNNA1 protein (p.Asn435Thr). This variant is not present in population databases (gnomAD no frequency). This variant has not been reported in the literature in individuals affected with CTNNA1-related conditions. Algorithms developed to predict the effect of missense changes on protein structure and function are either unavailable or do not agree on the potential impact of this missense change (SIFT: "Deleterious"; PolyPhen-2: "Benign"; Align-GVGD: "Class C0").